The following is an entry in ClinVar:

ClinVar aggregate classification (germline): Pathogenic (1 of 4 stars; one submission).

Conditions:
Hereditary cancer-predisposing syndrome. Also called: Neoplastic Syndromes, Hereditary; Tumor predisposition; Hereditary neoplastic syndrome; Hereditary Cancer Syndrome. Identifiers: Orphanet 140162, MedGen C0027672, MeSH D009386, MONDO:0015356.

Submission:

Ambry Genetics
Classification: Pathogenic for Hereditary cancer-predisposing syndrome. Last evaluated: 2026-08-11. Review status: criteria provided, single submitter. Criteria: Ambry Variant Classification Scheme 2023. Collection method: clinical testing. Allele origin: germline.
Comment: The c.3124_3125delAC pathogenic mutation, located in coding exon 11 of the PALB2 gene, results from a deletion of two nucleotides at nucleotide positions 3124 to 3125, causing a translational frameshift with a predicted alternate stop codon (p.T1042Wfs*10). This variant is considered to be rare based on population cohorts in the Genome Aggregation Database (gnomAD). This alteration is expected to result in loss of function by premature protein truncation or nonsense-mediated mRNA decay. As such, this alteration is interpreted as a disease-causing mutation.

NM_024675.4(PALB2):c.3124_3125del (p.Thr1042fs)

Gene: PALB2 (partner and localizer of BRCA2; minus strand). Cytogenetic location: 16p12.2.
Variant type: Deletion.
Coding change: c.3124_3125del on transcript NM_024675.4 (MANE Select); coding-DNA positions 3124 to 3125, 2 bases deleted (AC; older notation c.3124_3125delAC).
Protein change: p.Thr1042fs; shifts the reading frame from threonine 1042.
Molecular consequence: frameshift variant. On other transcripts: intron variant (3).
Genome position (GRCh38, 1-based): chr16:23,614,080-23,614,081, GT deleted on the plus strand (AC on the coding strand, the reverse complement: PALB2 is on the minus strand). VCF-style (leftmost placement, unchanged base first): chr16-23614079-AGT-A. GRCh37 (hg19) VCF-style: chr16-23625400-AGT-A.
Other names: c.1336_1337del, p.Thr446fs (NM_001407313.1, NM_001407312.1); c.658_659del, p.Thr220fs (NM_001407314.1); c.2228+7281_2228+7282del (NM_001407308.1, NM_001407309.1); c.3113+7281_3113+7282del (NM_001407299.1); c.3064_3065del, p.Thr1022fs (NM_001407296.1); c.3052_3053del, p.Thr1018fs (NM_001407297.1); c.2962_2963del, p.Thr988fs (NM_001407298.1, NM_001407302.1); c.2845_2846del, p.Thr949fs (NM_001407300.1); and 3 more; short protein forms T747fs, T1022fs, T949fs, T1042fs, T693fs, T1018fs, T220fs, T446fs.
Identifiers: ClinVar variation 5026185 (VCV005026185.1).
Genomic context (GRCh38, chr16:23,614,079, plus strand): 5'-TTTGTGACAGACTGAAGCTTGGTAAGAATCATCAATGTGCATCTTTTTCAGGAGTTGACC[AGT>A]TTTTAAATTCCTTAGATAACAAAAATAAATAAGCTGATCACATTCTTCCAACAAACCAGT-3'